The following is an entry in ClinVar:

ClinVar aggregate classification (germline): Likely pathogenic (1 of 4 stars; one submission).

Submission:

Labcorp Genetics (formerly Invitae), Labcorp
Classification: Likely pathogenic. Last evaluated: 2023-09-05. Review status: criteria provided, single submitter. Criteria: Invitae Variant Classification Sherloc (09022015). Collection method: clinical testing. Allele origin: germline.
Comment: This sequence change affects a donor splice site in intron 27 of the ABCC8 gene. It is expected to disrupt RNA splicing. Variants that disrupt the donor or acceptor splice site typically lead to a loss of protein function (PMID: 16199547), and loss-of-function variants in ABCC8 are known to be pathogenic (PMID: 20685672, 23345197). This variant is not present in population databases (gnomAD no frequency). In summary, the currently available evidence indicates that the variant is pathogenic, but additional data are needed to prove that conclusively. Therefore, this variant has been classified as Likely Pathogenic. Algorithms developed to predict the effect of sequence changes on RNA splicing suggest that this variant may disrupt the consensus splice site. ClinVar contains an entry for this variant (Variation ID: 2137012). This variant is also known as c.3402+2T>C. Disruption of this splice site has been observed in individual(s) with congenital hyperinsulinism (PMID: 24401662).

Literature cited by the submitters: PubMed 16199547; PubMed 20685672; PubMed 23345197; PubMed 24401662.

NM_000352.6(ABCC8):c.3399+2T>C

Gene: ABCC8 (ATP binding cassette subfamily C member 8; minus strand). Cytogenetic location: 11p15.1.
Variant type: single nucleotide variant.
Coding change: c.3399+2T>C on transcript NM_000352.6 (MANE Select); the canonical splice donor site of the intron after coding-DNA position 3399, T replaced by C.
Molecular consequence: splice donor variant.
Genome position (GRCh38, 1-based): chr11:17,405,492, A>G on the plus strand (T>C on the coding strand, the complement: ABCC8 is on the minus strand). VCF-style: chr11-17405492-A-G. GRCh37 (hg19) VCF-style: chr11-17427039-A-G.
Other names: c.3396+2T>C (NM_001351297.2); c.3399+2T>C (NM_001351296.2); c.3465+2T>C (NM_001351295.2); c.3402+2T>C (NM_001287174.3).
Identifiers: ClinVar variation 2137012 (VCV002137012.4), dbSNP rs2496519075, ClinGen allele CA379799949.